The following is an entry in ClinVar:

ClinVar aggregate classification (germline): Uncertain significance (1 of 4 stars; one submission).

Conditions:
CHARGE syndrome (CHARGE). Also called: Hittner Hirsch Kreh syndrome; CHARGE ASSOCIATION--COLOBOMA, HEART ANOMALY, CHOANAL ATRESIA, RETARDATION, GENITAL AND EAR ANOMALIES; Coloboma, heart anomaly, choanal atresia, retardation, genital and ear anomalies; CHARGE association; Hall-Hittner syndrome. Identifiers: Orphanet 138, MedGen C0265354, MONDO:0008965.

Allele frequency attached by ClinVar (database versions not stated): gnomAD exomes 0.00001; ExAC 0.00002.
gnomAD v4.1: 15 of 1,613,106 alleles (0.00093%); highest among the groups gnomAD compares: Middle Eastern, 0.016%; no homozygotes.

Submission:

Labcorp Genetics (formerly Invitae), Labcorp
Classification: Uncertain significance for CHARGE syndrome. Last evaluated: 2022-08-31. Review status: criteria provided, single submitter. Criteria: Invitae Variant Classification Sherloc (09022015). Collection method: clinical testing. Allele origin: germline.
Comment: This sequence change replaces glutamic acid, which is acidic and polar, with lysine, which is basic and polar, at codon 68 of the SEMA3E protein (p.Glu68Lys). This variant is present in population databases (rs771624899, gnomAD 0.02%). This variant has not been reported in the literature in individuals affected with SEMA3E-related conditions. Algorithms developed to predict the effect of missense changes on protein structure and function are either unavailable or do not agree on the potential impact of this missense change (SIFT: "Deleterious"; PolyPhen-2: "Possibly Damaging"; Align-GVGD: "Class C0"). In summary, the available evidence is currently insufficient to determine the role of this variant in disease. Therefore, it has been classified as a Variant of Uncertain Significance.

NM_012431.3(SEMA3E):c.202G>A (p.Glu68Lys)

Gene: SEMA3E (semaphorin 3E; minus strand). Cytogenetic location: 7q21.11.
Variant type: single nucleotide variant.
Coding change: c.202G>A on transcript NM_012431.3 (MANE Select); coding-DNA position 202, G replaced by A.
Protein change: p.Glu68Lys; replaces glutamic acid 68 with lysine.
Molecular consequence: missense variant.
Genome position (GRCh38, 1-based): chr7:83,490,188, C>T on the plus strand (G>A on the coding strand, the complement: SEMA3E is on the minus strand). VCF-style: chr7-83490188-C-T. GRCh37 (hg19) VCF-style: chr7-83119504-C-T.
Other names: c.22G>A, p.Glu8Lys (NM_001178129.2); short protein forms E8K, E68K.
Identifiers: ClinVar variation 2190881 (VCV002190881.4), dbSNP rs771624899, ClinGen allele CA4322430.